The following is an entry in ClinVar:

ClinVar aggregate classification (germline): Uncertain significance. Review status: criteria provided, multiple submitters, no conflicts (2 of 4 stars). 2 submissions from 2 submitters: Uncertain significance (2). Last evaluated 2025-07-28.

Conditions:
Hereditary cancer-predisposing syndrome. Also called: Neoplastic Syndromes, Hereditary; Tumor predisposition; Hereditary neoplastic syndrome; Hereditary Cancer Syndrome. Identifiers: Orphanet 140162, MedGen C0027672, MeSH D009386, MONDO:0015356.

Allele frequency attached by ClinVar (database versions not stated): gnomAD 0.00001.
gnomAD v4.1: 1 of 1,614,092 alleles (0.000062%); highest among the groups gnomAD compares: Admixed American, 0.0017%; no homozygotes.

Submissions (2):

Ambry Genetics
Classification: Uncertain significance for Hereditary cancer-predisposing syndrome. Last evaluated: 2025-07-28. Review status: criteria provided, single submitter. Criteria: Ambry Variant Classification Scheme 2023. Collection method: clinical testing. Allele origin: germline.
Comment: The p.N1087D variant (also known as c.3259A>G), located in coding exon 19 of the BRIP1 gene, results from an A to G substitution at nucleotide position 3259. The asparagine at codon 1087 is replaced by aspartic acid, an amino acid with highly similar properties. This amino acid position is conserved. In addition, this alteration is predicted to be tolerated by in silico analysis. Based on the available evidence, the clinical significance of this variant remains unclear.

Color Diagnostics, LLC DBA Color Health
Classification: Uncertain significance for Hereditary cancer-predisposing syndrome. Last evaluated: 2023-12-05. Review status: criteria provided, single submitter. Criteria: ACMG Guidelines, 2015. Collection method: clinical testing. Allele origin: germline.
Comment: This missense variant replaces asparagine with aspartic acid at codon 1087 of the BRIP1 protein. Computational prediction suggests that this variant may not impact protein structure and function (internally defined REVEL score threshold <= 0.5, PMID: 27666373). To our knowledge, functional studies have not been reported for this variant. This variant has not been reported in individuals affected with BRIP1-related disorders in the literature. This variant has been identified in 1/31402 chromosomes in the general population by the Genome Aggregation Database (gnomAD). The available evidence is insufficient to determine the role of this variant in disease conclusively. Therefore, this variant is classified as a Variant of Uncertain Significance.

NM_032043.3(BRIP1):c.3259A>G (p.Asn1087Asp)

Gene: BRIP1 (BRCA1 interacting DNA helicase 1; minus strand). Cytogenetic location: 17q23.2.
Variant type: single nucleotide variant.
Coding change: c.3259A>G on transcript NM_032043.3 (MANE Select); coding-DNA position 3259, A replaced by G.
Protein change: p.Asn1087Asp; replaces asparagine 1087 with aspartic acid.
Molecular consequence: missense variant.
Genome position (GRCh38, 1-based): chr17:61,683,787, T>C on the plus strand (A>G on the coding strand, the complement: BRIP1 is on the minus strand). VCF-style: chr17-61683787-T-C. GRCh37 (hg19) VCF-style: chr17-59761148-T-C.
Other names: short protein forms N1087D.
Identifiers: ClinVar variation 628857 (VCV000628857.6), dbSNP rs1430023275, ClinGen allele CA400479110.